The following is an entry in ClinVar:

NM_001374353.1(GLI2):c.3124_3125delinsCT (p.Asp1042Leu)

Gene: GLI2 (GLI family zinc finger 2; plus strand). Cytogenetic location: 2q14.2.
Variant type: Indel.
Coding change: c.3124_3125delinsCT on transcript NM_001374353.1 (MANE Select); coding-DNA positions 3124 to 3125, GA replaced by CT.
Protein change: p.Asp1042Leu; replaces aspartic acid 1042 with leucine.
Molecular consequence: missense variant.
Genome position (GRCh38, 1-based): chr2:120,989,089-120,989,090, GA replaced by CT. VCF-style: chr2-120989089-GA-CT. GRCh37 (hg19) VCF-style: chr2-121746665-GA-CT.
Other names: c.3175_3176delGAinsCT (NM_005270.4); c.3175_3176delinsCT, p.Asp1059Leu (NM_001371271.1, NM_005270.5); c.2749_2750delinsCT, p.Asp917Leu (NM_001374354.1); short protein forms D917L, D1042L, D1059L.
Identifiers: ClinVar variation 453039 (VCV000453039.5), dbSNP rs1553479074, ClinGen allele CA658657059.
Genomic context (GRCh38, chr2:120,989,089, plus strand): 5'-GCCGTGGCGGCAGGAGTGGACGGCGCGGGGCCCGAGGCCGACCTGGGGCTGCCGGAGGAC[GA>CT]CCTGGTGCTTCCAGACGACGTGGTGCAGTACATCAAGGCGCACGCCAGTGGCGCTCTGGA-3'
Protein context (NP_001361282.1, residues 1032-1052): PEADLGLPED[Asp1042Leu]LVLPDDVVQY

ClinVar aggregate classification (germline): Uncertain significance. Review status: criteria provided, multiple submitters, no conflicts (2 of 4 stars). 2 submissions from 2 submitters: Uncertain significance (2). Last evaluated 2025-02-25.

Submissions (2):

Women's Health and Genetics/Laboratory Corporation of America, LabCorp
Classification: Uncertain significance. Last evaluated: 2025-02-25. Review status: criteria provided, single submitter. Criteria: LabCorp Variant Classification Summary - May 2015. Collection method: clinical testing. Allele origin: germline.
Comment: Variant summary: GLI2 c.3175_3176delinsCT (p.Asp1059Leu) results in a non-conservative amino acid change in the encoded protein sequence. Two of three in-silico tools predict a damaging effect of the variant on protein function. The variant allele was found at a frequency of 1.5e-05 in 274144 control chromosomes. The available data on variant occurrences in the general population are insufficient to allow any conclusion about variant significance. To our knowledge, no occurrence of c.3175_3176delinsCT in individuals affected with GLI2-Related Disorders and no experimental evidence demonstrating its impact on protein function have been reported. ClinVar contains an entry for this variant (Variation ID: 453039). Based on the evidence outlined above, the variant was classified as uncertain significance.

GeneDx
Classification: Uncertain significance. Last evaluated: 2020-08-19. Review status: criteria provided, single submitter. Criteria: GeneDx Variant Classification Process June 2021. Collection method: clinical testing. Allele origin: germline. Affected: yes.
Comment: In silico analysis supports a deleterious effect on protein structure/function; Has not been previously published as pathogenic or benign to our knowledge